The following is an entry in ClinVar:

NM_000053.4(ATP7B):c.254G>C (p.Gly85Ala)

Gene: ATP7B (ATPase copper transporting beta; minus strand). Cytogenetic location: 13q14.3.
Variant type: single nucleotide variant.
Coding change: c.254G>C on transcript NM_000053.4 (MANE Select); coding-DNA position 254, G replaced by C.
Protein change: p.Gly85Ala; replaces glycine 85 with alanine.
Molecular consequence: missense variant.
Genome position (GRCh38, 1-based): chr13:51,974,966, C>G on the plus strand (G>C on the coding strand, the complement: ATP7B is on the minus strand). VCF-style: chr13-51974966-C-G. GRCh37 (hg19) VCF-style: chr13-52549102-C-G.
Other names: c.254G>C, p.Gly85Ala (NM_001005918.3, NM_001243182.2, NM_001330578.2 and 30 more transcripts); c.158G>C, p.Gly53Ala (NM_001406530.1, NM_001406536.1, NM_001406539.1 and 4 more transcripts); short protein forms G53A, G85A.
Identifiers: ClinVar variation 2422358 (VCV002422358.8), dbSNP rs786204643, ClinGen allele CA388044728.

ClinVar aggregate classification (germline): Conflicting classifications of pathogenicity. Review status: criteria provided, conflicting classifications (1 of 4 stars). 4 submissions from 4 submitters: Likely pathogenic (1); Uncertain significance (3). Last evaluated 2023-10-06.

Conditions:
Wilson disease (WND). Also called: Wilson's disease. Identifiers: Orphanet 905, MedGen C0019202, MONDO:0010200, OMIM 277900. Disease mechanism: loss of function.

gnomAD v4.1: 4 of 1,614,206 alleles (0.00025%); highest among the groups gnomAD compares: Non-Finnish European, 0.00034%; no homozygotes.

Submissions (4):

All of Us Research Program, National Institutes of Health
Classification: Uncertain significance for Wilson disease. Last evaluated: 2023-10-06. Review status: criteria provided, single submitter. Criteria: ACMG Guidelines, 2015. Collection method: clinical testing. Allele origin: germline. Inheritance: Autosomal recessive inheritance. Observed: 1 variant allele, 1 heterozygote.
Comment: This missense variant replaces glycine with alanine at codon 85 of the ATP7B protein. Computational prediction suggests that this variant may have deleterious impact on protein structure and function (internally defined REVEL score threshold >= 0.7, PMID: 27666373). To our knowledge, functional studies have not been reported for this variant. This variant has not been reported in individuals affected with ATP7B-related disorders in the literature. This variant has not been identified in the general population by the Genome Aggregation Database (gnomAD). A different missense variant occurring at the same codon, p.Gly85Val, is known to cause disease (ClinVar variation ID: 189037), indicating that glycine at this position is important for ATP7B protein function. Due to the insufficient variant-specific clinical and functional data, the role of p.Gly85Ala variant in disease cannot be determined conclusively. Therefore, this variant is classified as a Variant of Uncertain Significance.

This study involves interpretation of variants in research participants for the purpose of population health screening. Participant phenotype was not available at the time of variant classification. Additional details can be found in publication PMID: 35346344, PMCID: PMC8962531

Color Diagnostics, LLC DBA Color Health
Classification: Uncertain significance for Wilson disease. Last evaluated: 2023-09-22. Review status: criteria provided, single submitter. Criteria: ACMG Guidelines, 2015. Collection method: clinical testing. Allele origin: germline.
Comment: This missense variant replaces glycine with alanine at codon 85 of the ATP7B protein. Computational prediction suggests that this variant may have deleterious impact on protein structure and function. To our knowledge, functional studies have not been reported for this variant. This variant has not been reported in individuals affected with ATP7B-related disorders in the literature. This variant has not been identified in the general population by the Genome Aggregation Database (gnomAD). A different missense variant occurring at the same codon, p.Gly85Val, is known to cause disease (ClinVar variation ID: 189037), indicating that glycine at this position is important for ATP7B protein function. Due to the insufficient variant-specific clinical and functional data, the role of p.Gly85Ala variant in disease cannot be determined conclusively. Therefore, this variant is classified as a Variant of Uncertain Significance.

Neuberg Centre For Genomic Medicine, NCGM
Classification: Uncertain significance for Wilson disease. Last evaluated: 2023-02-14. Review status: criteria provided, single submitter. Criteria: ACMG Guidelines, 2015. Collection method: clinical testing. Allele origin: germline. Inheritance: Autosomal recessive inheritance. Affected: yes.
Comment: The missense c.254G>C (p.Gly85Ala) variant in ATP7B gene has not been reported previously as a pathogenic variant nor as a benign variant, to our knowledge. The p.Gly85Ala variant is novel (not in any individuals) in gnomAD Exomes and 1000 Genomes. This variant has not been reported to the ClinVar database. The amino acid change p.Gly85Ala in ATP7B is predicted as conserved by GERP++ and PhyloP across 100 vertebrates. The amino acid Gly at position 85 is changed to a Ala changing protein sequence and it might alter its composition and physico-chemical properties. For these reasons, this variant has been classified as Variant of Uncertain Significance (VUS).

Labcorp Genetics (formerly Invitae), Labcorp
Classification: Likely pathogenic for Wilson disease. Last evaluated: 2022-09-01. Review status: criteria provided, single submitter. Criteria: Invitae Variant Classification Sherloc (09022015). Collection method: clinical testing. Allele origin: germline.
Comment: Advanced modeling of protein sequence and biophysical properties (such as structural, functional, and spatial information, amino acid conservation, physicochemical variation, residue mobility, and thermodynamic stability) performed at Invitae indicates that this missense variant is expected to disrupt ATP7B protein function. In summary, the currently available evidence indicates that the variant is pathogenic, but additional data are needed to prove that conclusively. Therefore, this variant has been classified as Likely Pathogenic. This variant disrupts the p.Gly85 amino acid residue in ATP7B. Other variant(s) that disrupt this residue have been determined to be pathogenic (PMID: 17919502, 19937698, 22240481, 30702195, 32043565). This suggests that this residue is clinically significant, and that variants that disrupt this residue are likely to be disease-causing. This variant has not been reported in the literature in individuals affected with ATP7B-related conditions. This variant is not present in population databases (gnomAD no frequency). This sequence change replaces glycine, which is neutral and non-polar, with alanine, which is neutral and non-polar, at codon 85 of the ATP7B protein (p.Gly85Ala).

Literature cited by the submitters: PubMed 17919502 (cited by Labcorp Genetics (formerly Invitae), Labcorp); PubMed 19937698 (cited by Labcorp Genetics (formerly Invitae), Labcorp); PubMed 22240481 (cited by Labcorp Genetics (formerly Invitae), Labcorp); PubMed 30702195 (cited by Labcorp Genetics (formerly Invitae), Labcorp); PubMed 32043565 (cited by Labcorp Genetics (formerly Invitae), Labcorp).